The following is an entry in ClinVar:

ClinVar aggregate classification (germline): Pathogenic (1 of 4 stars; one submission).

Conditions:
Familial adenomatous polyposis 2. Also called: FAP type 2; MUTYH Polyposis; COLORECTAL ADENOMATOUS POLYPOSIS, AUTOSOMAL RECESSIVE; ADENOMAS, MULTIPLE COLORECTAL, AUTOSOMAL RECESSIVE; MUTYH-associated polyposis; MUTYH-related attenuated familial adenomatous polyposis. Identifiers: Orphanet 220460, Orphanet 247798, MedGen C3272841, MONDO:0012041, OMIM 608456.

Submission:

Labcorp Genetics (formerly Invitae), Labcorp
Classification: Pathogenic for Familial adenomatous polyposis 2. Last evaluated: 2023-11-21. Review status: criteria provided, single submitter. Criteria: Invitae Variant Classification Sherloc (09022015). Collection method: clinical testing. Allele origin: germline.
Comment: This sequence change affects a donor splice site in intron 12 of the MUTYH gene. RNA analysis indicates that disruption of this splice site induces altered splicing and likely results in a shortened protein product. This variant is not present in population databases (gnomAD no frequency). Disruption of this splice site has been observed in individual(s) with breast cancer (PMID: 32029870). ClinVar contains an entry for this variant (Variation ID: 839049). Studies have shown that disruption of this splice site results in skipping of exon 12, but is expected to preserve the integrity of the reading-frame (Invitae). This variant disrupts a region of the MUTYH protein in which other variant(s) (p.Leu388Pro) have been determined to be pathogenic (PMID: 16134147, 16941501, 17949294, 20848659, 23322991, 25820570). This suggests that this is a clinically significant region of the protein, and that variants that disrupt it are likely to be disease-causing. For these reasons, this variant has been classified as Pathogenic.

Literature cited by the submitters: PubMed 32029870; PubMed 16134147; PubMed 16941501; PubMed 17949294; PubMed 20848659; PubMed 23322991; PubMed 25820570.

NM_001048174.2(MUTYH):c.1102+2T>C

Gene: MUTYH (mutY DNA glycosylase; minus strand). Cytogenetic location: 1p34.1.
Variant type: single nucleotide variant.
Coding change: c.1102+2T>C on transcript NM_001048174.2 (MANE Select); the canonical splice donor site of the intron after coding-DNA position 1102, T replaced by C.
Molecular consequence: splice donor variant.
Genome position (GRCh38, 1-based): chr1:45,331,659, A>G on the plus strand (T>C on the coding strand, the complement: MUTYH is on the minus strand). VCF-style: chr1-45331659-A-G. GRCh37 (hg19) VCF-style: chr1-45797331-A-G.
Other names: c.1102+2T>C (NM_001407072.1, NM_001407073.1, NM_001048171.2 and 6 more transcripts); c.757+2T>C (NM_001350651.2, NM_001350650.2, NM_001407082.1); c.826+2T>C (NM_001293192.2, NM_001293196.2, NM_001407091.1); c.1147+2T>C (NM_001293190.2); c.1135+2T>C (NM_001407069.1, NM_001407077.1, NM_001293191.2); c.1177+2T>C (NM_012222.3); c.1186+2T>C (NM_001128425.2); c.1105+2T>C (NM_001407071.1, NM_001048172.2, NM_001407078.1 and 1 more transcripts); and 5 more.
Identifiers: ClinVar variation 839049 (VCV000839049.8), dbSNP rs1644886403, ClinGen allele CA340133229.